The following is an entry in ClinVar:

ClinVar aggregate classification (germline): Uncertain significance. Review status: reviewed by expert panel (3 of 4 stars). 4 submissions from 4 submitters: Uncertain significance (1). 3 of the submissions do not count toward it. Last evaluated 2025-08-01.

Conditions:
Malignant hyperthermia, susceptibility to, 1 (MHS1). Also called: RYR1-Related Malignant Hyperthermia Susceptibility; Anesthesia related hyperthermia; Malignant hyperpyrexia; Fulminating hyperpyrexia; Pharmacogenic myopathy; Malignant hyperthermia suceptibility 1. Identifiers: Orphanet 423, MedGen C2930980, MONDO:0007783, OMIM 145600.
Malignant hyperthermia of anesthesia. Also called: Anesthesic-triggered malignant hyperthermia. Identifiers: Orphanet 423, MedGen C0024591, MONDO:0018493, HP:0034733.

Allele frequency attached by ClinVar (database versions not stated): gnomAD exomes below 0.00001; ExAC 0.00001.
gnomAD v4.1: 4 of 1,614,148 alleles (0.00025%); highest among the groups gnomAD compares: South Asian, 0.0011%; no homozygotes.

Submissions (4):

ClinGen Malignant Hyperthermia Susceptibility Variant Curation Expert Panel, ClinGen
Classification: Uncertain significance for Malignant hyperthermia of anesthesia. Last evaluated: 2025-08-01. Review status: reviewed by expert panel. Criteria: ClinGen MHS ACMG Specifications V2. Collection method: curation. Allele origin: germline. Inheritance: Autosomal dominant inheritance.
Comment: This pathogenicity assessment is relevant only for malignant hyperthermia susceptibility (MHS) inherited in an autosomal dominant pattern. Variants in RYR1 can also cause other myopathies inherited in an autosomal dominant pattern or in an autosomal recessive pattern. Some of these disorders may predispose individuals to malignant hyperthermia. RYR1 variants may also contribute to a malignant hyperthermia reaction in combination with other genetic and non-genetic factors and the clinician needs to consider such factors in making management decisions. This sequence variant predicts a substitution of serine with phenylalanine at codon 2685 of the RYR1 protein, p.(Ser2685Phe). The maximum allele frequency for this variant among the six major gnomAD populations is SAS: 0.000033, a frequency consistent with pathogenicity for MHS. This variant has been reported in an individual with a personal or family history of an MH episode and a positive in vitro contracture test (IVCT) or caffeine halothane contracture test (CHCT) result (if the proband was unavailable for testing, a positive diagnostic test result in a mutation-positive relative was counted), PS4_Supporting (PMID:30236257). No functional studies were identified for this variant. This variant does not reside in a hotspot for pathogenic variants that contribute to MHS. A REVEL score of 0.777 supports neither a pathogenic nor a benign status for this variant. This variant has been classified as a Variant of Unknown Significance. Criteria implemented: PS4_Supporting.

Molecular Genetics, Royal Melbourne Hospital
Classification: Uncertain significance for Malignant hyperthermia, susceptibility to, 1. Last evaluated: 2023-03-30. Review status: criteria provided, single submitter. Criteria: ACMG Guidelines, 2015. Collection method: clinical testing. Allele origin: germline. Affected: yes. Not counted in ClinVar's aggregate classification.
Comment: This sequence change is predicted to replace serine with phenylalanine at codon 2685 of the RYR1 protein (p.Ser2685Phe). The serine residue is moderately conserved (100 vertebrates, UCSC), and there is a large physicochemical difference between serine and phenylalanine. It is not located in any of the reported MH hot spots. The variant is present once in a large population cohort (rs781126470, 1/251,142 alleles, 0 homozygotes in gnomAD v2.1 - PM2). It has been identified in one individual with recurrent rhabdomyolysis, and in at least two individuals with a a positive in vitro contracture test (PMID: 27431030, 30236257, 30788618, Royal Melbourne Hospital - PS4_Supporting), one with a clinical reaction consistent with malignant hyperthermia under anaesthesia (PMID: 30236257 - PP4). Multiple lines of computational evidence predict a deleterious effect for the missense substitution (6/7 algorithms - PP3). Based on the classification scheme RMH ACMG Guidelines v1.2.1, this variant is classified as a VARIANT of UNCERTAIN SIGNIFICANCE. Following criteria are met: PM2, PS4_Supporting, PP3, PP4.

Victorian Clinical Genetics Services, Murdoch Childrens Research Institute
Classification: Uncertain significance for Malignant hyperthermia, susceptibility to, 1. Last evaluated: 2022-02-02. Review status: criteria provided, single submitter. Criteria: ACMG Guidelines, 2015. Collection method: clinical testing. Allele origin: germline. Inheritance: Autosomal dominant inheritance. Not counted in ClinVar's aggregate classification.
Comment: Based on the classification scheme VCGS_Germline_v1.3.4, this variant is classified as VUS-3A. Following criteria are met: 0103 - Both loss- and gain-of-function are known mechanisms of disease for this gene. Comprehensive studies of selected dominant mutations have led to the hypothesis that MHS associated mutations cause RYR1 hyper-excitability (gain-of-function), while many recessive mutations are hypomorphic sequence changes that lead to markedly reduced or absent protein expression (loss-of-function) (PMID: 23919265). (N) 0108 - This gene is known to be associated with both recessive and dominant disease. Dominant mutations have traditionally been associated with central core disease (CCD) and/or a susceptibility to malignant hyperthermia (MHS), while recessive mutations predominate in patients with multiminicore disease (MmD), centronuclear myopathy (CNM), and congenital fiber type disproportion (CFTD) (PMID: 23919265). (N) 0200 - Variant is predicted to result in a missense amino acid change from serine to phenylalanine (exon 50). (N) 0251 - Variant is heterozygous. (N) 0302 - Variant is present in gnomAD (v2) <0.001 (1 heterozygote, 0 homozygotes). (P) 0501 - Missense variant consistently predicted to be damaging by multiple in silico tools or highly conserved with a major amino acid change. (P) 0604 - Variant is not located in an established domain, motif, hotspot or informative constraint region. (N) 0705 - No comparable variants have previous evidence for pathogenicity. (N) 0803 - Low previous evidence of pathogenicity in unrelated individuals. The variant has previously been reported as potentially pathogenic in a patient with rhadbomyolisis (displaying minicores on a muscle biopsy), and a family with malignant hyperthermia susceptibility (confirmed by IVCT), however it has also been classified as a VUS and is not listed as a diagnostic variant by The European Malignant Hyperthermia Group (PMID: 27431030, PMID: 30236257, PMID: 30788618). (P) 0905 - No segregation evidence has been identified for this variant. (N) 1007 - No published functional evidence has been identified for this variant. (N) 1208 - Inheritance information for this variant is not currently available. (N) Legend: (P) - Pathogenic, (N) - Neutral, (B) - Benign

GeneDx
Classification: Uncertain significance. Last evaluated: 2019-03-30. Review status: criteria provided, single submitter. Criteria: GeneDx Variant Classification Process June 2021. Collection method: clinical testing. Allele origin: germline. Affected: yes. Not counted in ClinVar's aggregate classification.
Comment: Reported as heterozygous in a patient with recurrent rhabdomyolysis and minicores identified on muscle biopsy (Scalco et al., 2016); In silico analysis, which includes protein predictors and evolutionary conservation, supports a deleterious effect; Not observed in large population cohorts (Lek et al., 2016); This variant is associated with the following publications: (PMID: 30788618, 27431030)

Literature cited by the submitters: PubMed 27431030 (cited by Molecular Genetics, Royal Melbourne Hospital and Victorian Clinical Genetics Services, Murdoch Childrens Research Institute); PubMed 30236257 (cited by Molecular Genetics, Royal Melbourne Hospital and Victorian Clinical Genetics Services, Murdoch Childrens Research Institute); PubMed 30788618 (cited by Molecular Genetics, Royal Melbourne Hospital and Victorian Clinical Genetics Services, Murdoch Childrens Research Institute); PubMed 23919265 (cited by Victorian Clinical Genetics Services, Murdoch Childrens Research Institute).

NM_000540.3(RYR1):c.8054C>T (p.Ser2685Phe)

Gene: RYR1 (ryanodine receptor 1; plus strand). Cytogenetic location: 19q13.2.
Variant type: single nucleotide variant.
Coding change: c.8054C>T on transcript NM_000540.3 (MANE Select); coding-DNA position 8054, C replaced by T.
Protein change: p.Ser2685Phe; replaces serine 2685 with phenylalanine.
Molecular consequence: missense variant.
Genome position (GRCh38, 1-based): chr19:38,504,347, C>T. VCF-style: chr19-38504347-C-T. GRCh37 (hg19) VCF-style: chr19-38994987-C-T.
Other names: NM_000540.3(RYR1):c.8054C>T; p.(Ser2685Phe); NM_001042723.2:c.8054C>T; c.8054C>T, p.Ser2685Phe (NM_001042723.2); short protein forms S2685F.
Identifiers: ClinVar variation 1308515 (VCV001308515.8), dbSNP rs781126470, ClinGen allele CA071335.
Genomic context (GRCh38, chr19:38,504,347, plus strand): 5'-GGGTCACCTCAGAGGAGGAGCTGCACCTCACACGGAAACTCTTCTGGGGCATCTTTGACT[C>T]TCTGGCCCATAAGGTCTGGGCAGCAGGGAGCCCCAAAATGGCCTATGTGGAGGGTTTGGG-3'
Protein context (NP_000531.2, residues 2675-2695): TRKLFWGIFD[Ser2685Phe]LAHKKYDPEL